The following is an entry in ClinVar:

ClinVar aggregate classification (germline): Uncertain significance (1 of 4 stars; one submission).

Conditions:
Cardiovascular phenotype. Identifiers: MedGen CN230736.

Allele frequency attached by ClinVar (database versions not stated): gnomAD exomes below 0.00001; TOPMed below 0.00001; ExAC 0.00001.
gnomAD v4.1: 2 of 1,611,084 alleles (0.00012%); highest among the groups gnomAD compares: Non-Finnish European, 0.00017%; no homozygotes.

Submission:

Ambry Genetics
Classification: Uncertain significance for Cardiovascular phenotype. Last evaluated: 2022-01-02. Review status: criteria provided, single submitter. Criteria: Ambry Variant Classification Scheme 2023. Collection method: clinical testing. Allele origin: germline.
Comment: The p.I824M variant (also known as c.2472A>G), located in coding exon 8 of the AKAP9 gene, results from an A to G substitution at nucleotide position 2472. The isoleucine at codon 824 is replaced by methionine, an amino acid with highly similar properties. This amino acid position is conserved. In addition, this alteration is predicted to be tolerated by in silico analysis. Since supporting evidence is limited at this time, the clinical significance of this alteration remains unclear.

NM_005751.5(AKAP9):c.2472A>G (p.Ile824Met)

Gene: AKAP9 (A-kinase anchoring protein 9; plus strand). Cytogenetic location: 7q21.2.
Variant type: single nucleotide variant.
Coding change: c.2472A>G on transcript NM_005751.5 (MANE Select); coding-DNA position 2472, A replaced by G.
Protein change: p.Ile824Met; replaces isoleucine 824 with methionine.
Molecular consequence: missense variant.
Genome position (GRCh38, 1-based): chr7:92,002,389, A>G. VCF-style: chr7-92002389-A-G. GRCh37 (hg19) VCF-style: chr7-91631703-A-G.
Other names: c.2472A>G, p.Ile824Met (NM_147185.3); short protein forms I824M.
Identifiers: ClinVar variation 1791791 (VCV001791791.2), dbSNP rs780160560, ClinGen allele CA4336142.